The following is an entry in ClinVar:

ClinVar aggregate classification (germline): Uncertain significance. Review status: criteria provided, multiple submitters, no conflicts (2 of 4 stars). 2 submissions from 2 submitters: Uncertain significance (2). Last evaluated 2023-09-08.

Conditions:
Hereditary cancer-predisposing syndrome. Also called: Tumor predisposition; Hereditary Cancer Syndrome; Hereditary neoplastic syndrome; Neoplastic Syndromes, Hereditary. Identifiers: Orphanet 140162, MedGen C0027672, MeSH D009386, MONDO:0015356.
Gastrointestinal stromal tumor. Also called: Gastrointestinal stroma tumor; Gastrointestinal stromal tumor, somatic. Identifiers: Orphanet 44890, MedGen C0238198, MeSH D046152, MONDO:0011719, OMIM 606764, HP:0100723.

Submissions (2):

Labcorp Genetics (formerly Invitae), Labcorp
Classification: Uncertain significance for Gastrointestinal stromal tumor. Last evaluated: 2023-09-08. Review status: criteria provided, single submitter. Criteria: Invitae Variant Classification Sherloc (09022015). Collection method: clinical testing. Allele origin: germline.
Comment: In summary, the available evidence is currently insufficient to determine the role of this variant in disease. Therefore, it has been classified as a Variant of Uncertain Significance. An algorithm developed to predict the effect of missense changes on protein structure and function (PolyPhen-2) suggests that this variant is likely to be disruptive. ClinVar contains an entry for this variant (Variation ID: 1366070). This variant has not been reported in the literature in individuals affected with PDGFRA-related conditions. This variant is not present in population databases (gnomAD no frequency). This sequence change replaces glycine, which is neutral and non-polar, with glutamic acid, which is acidic and polar, at codon 2 of the PDGFRA protein (p.Gly2Glu).

Ambry Genetics
Classification: Uncertain significance for Hereditary cancer-predisposing syndrome. Last evaluated: 2022-04-29. Review status: criteria provided, single submitter. Criteria: Ambry Variant Classification Scheme 2023. Collection method: clinical testing. Allele origin: germline.
Comment: The p.G2E variant (also known as c.5G>A), located in coding exon 1 of the PDGFRA gene, results from a G to A substitution at nucleotide position 5. The glycine at codon 2 is replaced by glutamic acid, an amino acid with similar properties. This amino acid position is conserved. In addition, the in silico prediction for this alteration is inconclusive. Since supporting evidence is limited at this time, the clinical significance of this alteration remains unclear.

NM_006206.6(PDGFRA):c.5G>A (p.Gly2Glu)

Gene: PDGFRA (platelet derived growth factor receptor alpha; plus strand). Cytogenetic location: 4q12.
Variant type: single nucleotide variant.
Coding change: c.5G>A on transcript NM_006206.6 (MANE Select); coding-DNA position 5, G replaced by A.
Protein change: p.Gly2Glu; replaces glycine 2 with glutamic acid.
Molecular consequence: missense variant.
Genome position (GRCh38, 1-based): chr4:54,258,773, G>A. VCF-style: chr4-54258773-G-A. GRCh37 (hg19) VCF-style: chr4-55124940-G-A.
Other names: c.5G>A, p.Gly2Glu (NM_001347827.2, NM_001347829.2); c.80G>A, p.Gly27Glu (NM_001347828.2); c.44G>A, p.Gly15Glu (NM_001347830.2); short protein forms G2E, G27E, G15E.
Identifiers: ClinVar variation 1366070 (VCV001366070.10), dbSNP rs2110235021, ClinGen allele CA356888044.